The following is an entry in ClinVar:

NM_012186.3(FOXE3):c.413A>G (p.Asn138Ser)

Genes: FOXE3 (forkhead box E3; plus strand), LINC01389 (long independently transcribed non-coding RNA 1389; minus strand). Cytogenetic location: 1p33.
Variant type: single nucleotide variant.
Coding change: c.413A>G on transcript NM_012186.3 (MANE Select); coding-DNA position 413, A replaced by G.
Protein change: p.Asn138Ser; replaces asparagine 138 with serine.
Molecular consequence: missense variant.
Genome position (GRCh38, 1-based): chr1:47,416,728, A>G. VCF-style: chr1-47416728-A-G. GRCh37 (hg19) VCF-style: chr1-47882400-A-G.
Other names: c.413A>G (NM_012186.2); short protein forms N138S.
Identifiers: ClinVar variation 1044928 (VCV001044928.10), dbSNP rs373777806, ClinGen allele CA842961.
Genomic context (GRCh38, chr1:47,416,728, plus strand): 5'-GCATCCGCCACAATCTCACGCTCAACGACTGCTTCGTCAAGGTGCCCCGCGAGCCGGGCA[A>G]CCCGGGCAAGGGCAACTACTGGACGCTGGACCCCGCGGCCGCAGACATGTTCGACAACGG-3'
Protein context (NP_036318.1, residues 128-148): CFVKVPREPG[Asn138Ser]PGKGNYWTLD

ClinVar aggregate classification (germline): Uncertain significance. Review status: criteria provided, multiple submitters, no conflicts (2 of 4 stars). 2 submissions from 2 submitters: Uncertain significance (2). Last evaluated 2025-08-28.

Conditions:
Cardiovascular phenotype. Identifiers: MedGen CN230736.
Congenital primary aphakia. Also called: ANTERIOR SEGMENT DYSGENESIS 2; Anterior segment dysgenesis 2, multiple subtypes. Identifiers: Orphanet 83461, MedGen C1853230, MONDO:0012456, OMIM 610256.
Anterior segment dysgenesis. Also called: Ocular anterior segment dysgenesis. Identifiers: Orphanet 88632, MedGen C1862839, MONDO:0019503, HP:0007700.

Allele frequency attached by ClinVar (database versions not stated): gnomAD exomes below 0.00001; ExAC 0.00001; ESP Exome Variant Server 0.00008.

Submissions (2):

Ambry Genetics
Classification: Uncertain significance for Cardiovascular phenotype. Last evaluated: 2025-08-28. Review status: criteria provided, single submitter. Criteria: Ambry Variant Classification Scheme 2023. Collection method: clinical testing. Allele origin: germline.
Comment: The p.N138S variant (also known as c.413A>G), located in coding exon 1 of the FOXE3 gene, results from an A to G substitution at nucleotide position 413. The asparagine at codon 138 is replaced by serine, an amino acid with highly similar properties. This amino acid position is conserved. In addition, this alteration is predicted to be tolerated by in silico analysis. Based on the available evidence, the clinical significance of this variant remains unclear.

Labcorp Genetics (formerly Invitae), Labcorp
Classification: Uncertain significance for Anterior segment dysgenesis; Congenital primary aphakia. Last evaluated: 2022-07-05. Review status: criteria provided, single submitter. Criteria: Invitae Variant Classification Sherloc (09022015). Collection method: clinical testing. Allele origin: germline.
Comment: Algorithms developed to predict the effect of missense changes on protein structure and function are either unavailable or do not agree on the potential impact of this missense change (SIFT: "Tolerated"; PolyPhen-2: "Possibly Damaging"; Align-GVGD: "Class C0"). ClinVar contains an entry for this variant (Variation ID: 1044928). This variant has not been reported in the literature in individuals affected with FOXE3-related conditions. This variant is not present in population databases (gnomAD no frequency). This sequence change replaces asparagine, which is neutral and polar, with serine, which is neutral and polar, at codon 138 of the FOXE3 protein (p.Asn138Ser). In summary, the available evidence is currently insufficient to determine the role of this variant in disease. Therefore, it has been classified as a Variant of Uncertain Significance.